The following is an entry in ClinVar:

NM_000540.3(RYR1):c.3856C>G (p.Leu1286Val)

Gene: RYR1 (ryanodine receptor 1; plus strand). Cytogenetic location: 19q13.2.
Variant type: single nucleotide variant.
Coding change: c.3856C>G on transcript NM_000540.3 (MANE Select); coding-DNA position 3856, C replaced by G.
Protein change: p.Leu1286Val; replaces leucine 1286 with valine.
Molecular consequence: missense variant.
Genome position (GRCh38, 1-based): chr19:38,473,467, C>G. VCF-style: chr19-38473467-C-G. GRCh37 (hg19) VCF-style: chr19-38964107-C-G.
Other names: c.3856C>G, p.Leu1286Val (NM_001042723.2); short protein forms L1286V.
Identifiers: ClinVar variation 2150823 (VCV002150823.2), dbSNP rs777657818, ClinGen allele CA065273.
Genomic context (GRCh38, chr19:38,473,467, plus strand): 5'-CCCCCCTGCCTGCGCCTGACCCACCGCACCTGGGGCTCCCAGAACAGCCTGGTGGAGATG[C>G]TTTTCCTGCGGCTGAGCCTCCCAGTCCAGTTCCACCAGCACTTCCGCTGCACTGCAGGGG-3'
Protein context (NP_000531.2, residues 1276-1296): WGSQNSLVEM[Leu1286Val]FLRLSLPVQF

ClinVar aggregate classification (germline): Uncertain significance. Review status: criteria provided, multiple submitters, no conflicts (2 of 4 stars). 2 submissions from 2 submitters: Uncertain significance (2). Last evaluated 2025-12-11.

Conditions:
RYR1-related disorder. Also called: RYR1-related disorders; RYR1-related condition. Identifiers: MedGen CN239331.
Malignant hyperthermia, susceptibility to, 1 (MHS1). Also called: Anesthesia related hyperthermia; Malignant hyperpyrexia; Fulminating hyperpyrexia; Pharmacogenic myopathy; RYR1-Related Malignant Hyperthermia Susceptibility; Malignant hyperthermia suceptibility 1. Identifiers: Orphanet 423, MedGen C2930980, MONDO:0007783, OMIM 145600.

Allele frequency attached by ClinVar (database versions not stated): ExAC 0.00001; gnomAD exomes 0.00001.
gnomAD v4.1: 7 of 1,613,954 alleles (0.00043%); highest among the groups gnomAD compares: Admixed American, 0.0067%; no homozygotes.

Submissions (2):

Labcorp Genetics (formerly Invitae), Labcorp
Classification: Uncertain significance for RYR1-related disorder. Last evaluated: 2025-12-11. Review status: criteria provided, single submitter. Criteria: Invitae Variant Classification Sherloc (09022015). Collection method: clinical testing. Allele origin: germline.
Comment: This sequence change replaces leucine, which is neutral and non-polar, with valine, which is neutral and non-polar, at codon 1286 of the RYR1 protein (p.Leu1286Val). This variant is present in population databases (rs777657818, gnomAD 0.009%). This variant has not been reported in the literature in individuals affected with RYR1-related conditions. ClinVar contains an entry for this variant (Variation ID: 2150823). Invitae Evidence Modeling of protein sequence and biophysical properties (such as structural, functional, and spatial information, amino acid conservation, physicochemical variation, residue mobility, and thermodynamic stability) indicates that this missense variant is not expected to disrupt RYR1 protein function with a negative predictive value of 95%. In summary, the available evidence is currently insufficient to determine the role of this variant in disease. Therefore, it has been classified as a Variant of Uncertain Significance.

Color Diagnostics, LLC DBA Color Health
Classification: Uncertain significance for Malignant hyperthermia, susceptibility to, 1. Last evaluated: 2025-09-15. Review status: criteria provided, single submitter. Criteria: ACMG Guidelines, 2015. Collection method: clinical testing. Allele origin: germline.
Comment: This missense variant replaces leucine with valine at codon 1286 of the RYR1 protein. Computational prediction suggests that this variant may not impact protein structure and function. To our knowledge, functional studies have not been reported for this variant. This variant has not been reported in individuals affected with RYR1-related disorders in the literature. This variant has been identified in 3/249696 chromosomes in the general population by the Genome Aggregation Database (gnomAD). The available evidence is insufficient to determine the role of this variant in disease conclusively. Therefore, this variant is classified as a Variant of Uncertain Significance.